The following is an entry in ClinVar:

ClinVar aggregate classification (germline): Likely benign (1 of 4 stars; one submission).

Conditions:
Marfan syndrome (MFS). Also called: MARFAN SYNDROME, TYPE I; Marfan syndrome type 1; Marfan's syndrome; FBN1-Related Marfan Syndrome; Marfan syndrome, classic. Identifiers: Orphanet 284963, Orphanet 558, MedGen C0024796, MONDO:0007947, OMIM 154700.

Submission:

All of Us Research Program, National Institutes of Health
Classification: Likely benign for Marfan syndrome. Last evaluated: 2024-05-14. Review status: criteria provided, single submitter. Criteria: ACMG Guidelines, 2015. Collection method: clinical testing. Allele origin: germline. Inheritance: Autosomal dominant inheritance. Observed: 1 variant allele, 1 heterozygote.
Comment: This study involves interpretation of variants in research participants for the purpose of population health screening. Participant phenotype was not available at the time of variant classification. Additional details can be found in publication PMID: 35346344, PMCID: PMC8962531

NM_000138.5(FBN1):c.72G>A (p.Gly24=)

Genes: FBN1 (fibrillin 1; minus strand), LOC130057019 (ATAC-STARR-seq lymphoblastoid silent region 6417; plus strand). Cytogenetic location: 15q21.1.
Variant type: single nucleotide variant.
Coding change: c.72G>A on transcript NM_000138.5 (MANE Select); coding-DNA position 72, G replaced by A.
Protein change: p.Gly24=; no amino-acid change (glycine 24 retained).
Molecular consequence: synonymous variant.
Genome position (GRCh38, 1-based): chr15:48,644,698, C>T on the plus strand (G>A on the coding strand, the complement: FBN1 is on the minus strand). VCF-style: chr15-48644698-C-T. GRCh37 (hg19) VCF-style: chr15-48936895-C-T.
Other names: c.72G>A, p.Gly24= (NM_001406716.1, NM_001406717.1, NM_001406718.1).
Identifiers: ClinVar variation 3386871 (VCV003386871.1).
Genomic context (GRCh38, chr15:48,644,698, plus strand): 5'-TCTCTTGGCCCGACTGGCTCTGGTTTCCTTCACGTTCCCAGCCTCCAAATTGGCGTCCGC[C>T]CCATGGCTCGTGTAGGACGCTAAAAGCACGGTAAATCCCAGGGCGATCTCCAGCAGACGC-3'
Protein context (NP_000129.3, residues 14-34): TVLLASYTSH[Gly24=]ADANLEAGNV